The following is an entry in ClinVar:

ClinVar aggregate classification (germline): Pathogenic (1 of 4 stars; one submission).

Submission:

Labcorp Genetics (formerly Invitae), Labcorp
Classification: Pathogenic. Last evaluated: 2026-01-02. Review status: criteria provided, single submitter. Criteria: Invitae Variant Classification Sherloc (09022015). Collection method: clinical testing. Allele origin: germline.
Comment: This sequence change creates a premature translational stop signal (p.Trp61Glyfs*14) in the CNTNAP1 gene. It is expected to result in an absent or disrupted protein product. Loss-of-function variants in CNTNAP1 are known to be pathogenic (PMID: 24319099). This variant is not present in population databases (gnomAD no frequency). This variant has not been reported in the literature in individuals affected with CNTNAP1-related conditions. For these reasons, this variant has been classified as Pathogenic.

Literature cited by the submitters: PubMed 24319099.

NM_003632.3(CNTNAP1):c.180del (p.Trp61fs)

Genes: CNTNAP1 (contactin associated protein 1; plus strand), LOC125177481 (Sharpr-MPRA regulatory region 245; plus strand). Cytogenetic location: 17q21.2.
Variant type: Deletion.
Coding change: c.180del on transcript NM_003632.3 (MANE Select); coding-DNA position 180, one base deleted (G; older notation c.180delG).
Protein change: p.Trp61fs; shifts the reading frame from tryptophan 61.
Molecular consequence: frameshift variant.
Genome position (GRCh38, 1-based): chr17:42,684,046, G deleted; the last of 3 consecutive G bases (chr17:42,684,044-42,684,046); deleting any one gives the same sequence. VCF-style (leftmost placement, unchanged base first): chr17-42684043-CG-C. GRCh37 (hg19) VCF-style: chr17-40836061-CG-C.
Other names: short protein forms W61fs.
Identifiers: ClinVar variation 4734614 (VCV004734614.1).